The following is an entry in ClinVar:

ClinVar aggregate classification (germline): Uncertain significance (1 of 4 stars; one submission).

Submission:

Labcorp Genetics (formerly Invitae), Labcorp
Classification: Uncertain significance. Last evaluated: 2022-12-23. Review status: criteria provided, single submitter. Criteria: Invitae Variant Classification Sherloc (09022015). Collection method: clinical testing. Allele origin: germline.
Comment: In summary, the available evidence is currently insufficient to determine the role of this variant in disease. Therefore, it has been classified as a Variant of Uncertain Significance. Advanced modeling of protein sequence and biophysical properties (such as structural, functional, and spatial information, amino acid conservation, physicochemical variation, residue mobility, and thermodynamic stability) performed at Invitae indicates that this missense variant is not expected to disrupt RBM10 protein function. ClinVar contains an entry for this variant (Variation ID: 1719604). This variant has not been reported in the literature in individuals affected with RBM10-related conditions. This variant is not present in population databases (gnomAD no frequency). This sequence change replaces glutamine, which is neutral and polar, with arginine, which is basic and polar, at codon 665 of the RBM10 protein (p.Gln665Arg).

NM_005676.5(RBM10):c.1994A>G (p.Gln665Arg)

Gene: RBM10 (RNA binding motif protein 10; plus strand). Cytogenetic location: Xp11.3.
Variant type: single nucleotide variant.
Coding change: c.1994A>G on transcript NM_005676.5 (MANE Select); coding-DNA position 1994, A replaced by G.
Protein change: p.Gln665Arg; replaces glutamine 665 with arginine.
Molecular consequence: missense variant.
Genome position (GRCh38, 1-based): chrX:47,185,098, A>G. VCF-style: chrX-47185098-A-G. GRCh37 (hg19) VCF-style: chrX-47044497-A-G.
Other names: c.1763A>G, p.Gln588Arg (NM_001204466.2); c.1991A>G, p.Gln664Arg (NM_001204467.2); c.2189A>G, p.Gln730Arg (NM_001204468.2); c.1760A>G, p.Gln587Arg (NM_152856.3); short protein forms Q587R, Q588R, Q664R, Q665R, Q730R.
Identifiers: ClinVar variation 1719604 (VCV001719604.5), dbSNP rs2147210275, ClinGen allele CA412805983.